The following is an entry in ClinVar:

NM_001754.5(RUNX1):c.614-11C>A

Gene: RUNX1 (RUNX family transcription factor 1; minus strand). Cytogenetic location: 21q22.12.
Variant type: single nucleotide variant.
Coding change: c.614-11C>A on transcript NM_001754.5 (MANE Select); 11 bases into the intron before coding-DNA position 614, C replaced by A.
Molecular consequence: intron variant.
Genome position (GRCh38, 1-based): chr21:34,834,612, G>T on the plus strand (C>A on the coding strand, the complement: RUNX1 is on the minus strand). VCF-style: chr21-34834612-G-T. GRCh37 (hg19) VCF-style: chr21-36206909-G-T.
Other names: c.533-11C>A (NM_001001890.3, NM_001122607.2).
Identifiers: ClinVar variation 1531546 (VCV001531546.9), dbSNP rs766432660, ClinGen allele CA10014396.
Genomic context (GRCh38, chr21:34,834,612, plus strand): 5'-AAAGGACAAGCTCCCGGGCTTGGTCTGATCATCTAGTTTCTGCCGATGTCCTATTGTGGG[G>T]AGCAGGGAGGGGAGGGGATGGGGGGAGGGAAGGAGGGAGGGAAGAGATCAGAAAAAGTAT-3'

ClinVar aggregate classification (germline): Likely benign. Review status: reviewed by expert panel (3 of 4 stars). 2 submissions from 2 submitters: Likely benign (1). 1 of the submissions does not count toward it. Last evaluated 2025-02-25.

Conditions:
Hereditary thrombocytopenia and hematologic cancer predisposition syndrome. Identifiers: Orphanet 71290, MedGen CN281654, MONDO:0011071.
Hereditary thrombocytopenia and hematological cancer predisposition syndrome associated with RUNX1. Also called: RUNX1 Familial Platelet Disorder with Associated Myeloid Malignancies; Familial Platelet Disorder with Propensity to Acute Myelogenous Leukemia; Familial thrombocytopenia with propensity to acute myelogenous leukemia; PLATELET DISORDER, ASPIRIN-LIKE. Identifiers: Orphanet 71290, MedGen C1832388, MeSH C563324, MONDO:0100083, OMIM 601399.

gnomAD v4.1: 3 of 1,577,552 alleles (0.00019%); highest among the groups gnomAD compares: Non-Finnish European, 0.00026%; no homozygotes.

Submissions (2):

ClinGen Myeloid Malignancy Variant Curation Expert Panel
Classification: Likely benign for Hereditary thrombocytopenia and hematologic cancer predisposition syndrome. Last evaluated: 2025-02-25. Review status: reviewed by expert panel. Criteria: ClinGen MyeloMalig ACMG Specifications v2. Collection method: curation. Allele origin: germline. Inheritance: Autosomal dominant inheritance.
Comment: NM_001754.5(RUNX1):c.614-11C>A is an intronic variant which has a SpliceAI score ≤ 0.20 (0.02) (BP4). This variant has a SpliceAI score ≤ 0.20 (0.02) and evolutionary conservation prediction algorithms predict the site as not being conserved (PhyloP score ≤ 2.0 (1.27)) (BP7). In summary, this variant meets criteria to be classified as likely benign. ACMG/AMP criteria applied, as specified by the Myeloid Malignancy Variant Curation Expert Panel for RUNX1: BP4, BP7

Labcorp Genetics (formerly Invitae), Labcorp
Classification: Likely benign for Hereditary thrombocytopenia and hematological cancer predisposition syndrome associated with RUNX1. Last evaluated: 2023-11-06. Review status: criteria provided, single submitter. Criteria: Invitae Variant Classification Sherloc (09022015). Collection method: clinical testing. Allele origin: germline. Not counted in ClinVar's aggregate classification.